The following is an entry in ClinVar:

NM_201596.3(CACNB2):c.883G>C (p.Glu295Gln)

Gene: CACNB2 (calcium voltage-gated channel auxiliary subunit beta 2; plus strand). Cytogenetic location: 10p12.31.
Variant type: single nucleotide variant.
Coding change: c.883G>C on transcript NM_201596.3 (MANE Select); coding-DNA position 883, G replaced by C.
Protein change: p.Glu295Gln; replaces glutamic acid 295 with glutamine.
Molecular consequence: missense variant.
Genome position (GRCh38, 1-based): chr10:18,518,414, G>C. VCF-style: chr10-18518414-G-C. GRCh37 (hg19) VCF-style: chr10-18807343-G-C.
Other names: c.718G>C, p.Glu240Gln (NM_000724.4); c.685G>C, p.Glu229Gln (NM_001167945.2); c.604G>C, p.Glu202Gln (NM_001330060.2); c.625G>C, p.Glu209Gln (NM_001410882.1); c.739G>C, p.Glu247Gln (NM_201570.3); c.799G>C, p.Glu267Gln (NM_201571.4); c.727G>C, p.Glu243Gln (NM_201572.4); c.721G>C, p.Glu241Gln (NM_201590.3); and 2 more; short protein forms E271Q, E295Q, E209Q, E240Q, E243Q, E247Q, E257Q, E267Q.
Identifiers: ClinVar variation 1757768 (VCV001757768.2), dbSNP rs2494562845, ClinGen allele CA376061727.

ClinVar aggregate classification (germline): Uncertain significance (1 of 4 stars; one submission).

Conditions:
Cardiovascular phenotype. Identifiers: MedGen CN230736.

Submission:

Ambry Genetics
Classification: Uncertain significance for Cardiovascular phenotype. Last evaluated: 2022-03-30. Review status: criteria provided, single submitter. Criteria: Ambry Variant Classification Scheme 2023. Collection method: clinical testing. Allele origin: germline.
Comment: The p.E241Q variant (also known as c.721G>C), located in coding exon 7 of the CACNB2 gene, results from a G to C substitution at nucleotide position 721. The glutamic acid at codon 241 is replaced by glutamine, an amino acid with highly similar properties. This amino acid position is conserved. In addition, this alteration is predicted to be deleterious by in silico analysis. Since supporting evidence is limited at this time, the clinical significance of this alteration remains unclear.